The following is an entry in ClinVar:

ClinVar aggregate classification (germline): Uncertain significance (1 of 4 stars; one submission).

Conditions:
Myopathy, centronuclear, 2 (CNM2). Also called: MYOTUBULAR MYOPATHY, AUTOSOMAL RECESSIVE. Identifiers: Orphanet 169186, MedGen CN031787, MONDO:0009709, OMIM 255200.

Allele frequency attached by ClinVar (database versions not stated): gnomAD 0.00005; gnomAD exomes 0.00005 and 0.00003; TOPMed 0.00004; ExAC 0.00004; ESP Exome Variant Server 0.00023.
gnomAD v4.1: 44 of 1,613,356 alleles (0.0027%); highest among the groups gnomAD compares: South Asian, 0.0066%; 1 homozygote.

Submission:

Labcorp Genetics (formerly Invitae), Labcorp
Classification: Uncertain significance for Myopathy, centronuclear, 2. Last evaluated: 2025-12-19. Review status: criteria provided, single submitter. Criteria: Invitae Variant Classification Sherloc (09022015). Collection method: clinical testing. Allele origin: germline.
Comment: This sequence change replaces arginine, which is basic and polar, with cysteine, which is neutral and slightly polar, at codon 581 of the BIN1 protein (p.Arg581Cys). This variant is present in population databases (rs147655157, gnomAD 0.01%), including at least one homozygous and/or hemizygous individual. This variant has not been reported in the literature in individuals affected with BIN1-related conditions. ClinVar contains an entry for this variant (Variation ID: 578253). Invitae Evidence Modeling of protein sequence and biophysical properties (such as structural, functional, and spatial information, amino acid conservation, physicochemical variation, residue mobility, and thermodynamic stability) indicates that this missense variant is not expected to disrupt BIN1 protein function with a negative predictive value of 80%. In summary, the available evidence is currently insufficient to determine the role of this variant in disease. Therefore, it has been classified as a Variant of Uncertain Significance.

NM_139343.3(BIN1):c.1741C>T (p.Arg581Cys)

Gene: BIN1 (bridging integrator 1; minus strand). Cytogenetic location: 2q14.3.
Variant type: single nucleotide variant.
Coding change: c.1741C>T on transcript NM_139343.3 (MANE Select); coding-DNA position 1741, C replaced by T.
Protein change: p.Arg581Cys; replaces arginine 581 with cysteine.
Molecular consequence: missense variant.
Genome position (GRCh38, 1-based): chr2:127,048,567, G>A on the plus strand (C>T on the coding strand, the complement: BIN1 is on the minus strand). VCF-style: chr2-127048567-G-A. GRCh37 (hg19) VCF-style: chr2-127806143-G-A.
Other names: c.1234C>T, p.Arg412Cys (NM_001320632.2); c.1372C>T, p.Arg458Cys (NM_001320633.2); c.1117C>T, p.Arg373Cys (NM_001320634.1); c.1501C>T, p.Arg501Cys (NM_001320640.2); c.1648C>T, p.Arg550Cys (NM_001320641.2); c.1660C>T, p.Arg554Cys (NM_001320642.1); c.1324C>T, p.Arg442Cys (NM_004305.4); c.1612C>T, p.Arg538Cys (NM_139344.3); and 7 more; short protein forms R581C, R373C, R412C, R470C, R485C, R494C, R427C, R442C.
Identifiers: ClinVar variation 578253 (VCV000578253.8), dbSNP rs147655157, ClinGen allele CA1856928.